The following is an entry in ClinVar:

ClinVar aggregate classification (germline): not provided (0 of 4 stars; one submission).

Conditions:
Uterine leiomyoma (UL). Also called: Uterine corpus leiomyoma. Identifiers: MedGen C0042133, MONDO:0007886, OMIM 150699, HP:0000131.

Allele frequency attached by ClinVar (database versions not stated): TOPMed below 0.00001; gnomAD 0.00001.

Submissions (2):

Dr. Peter K. Rogan Lab, Western University
No classification provided (evidence only). Condition: Chronic lymphocytic leukemia/small lymphocytic lymphoma. Review status: no classification provided. Collection method: in vitro. Allele origin: not applicable. Functional consequence: skipped exon, retained intron. Not counted in ClinVar's aggregate classification.

Rajkovic Lab, University of Pittsburgh
No classification provided. Condition: Leiomyoma, uterine. Review status: no classification provided. Collection method: not provided. Allele origin: somatic.
ClinVar note: Converted during submission from Associated with leiomyomas to not provided.

NM_005120.3(MED12):c.100-8T>A

Gene: MED12 (mediator complex subunit 12; plus strand). Cytogenetic location: Xq13.1.
Variant type: single nucleotide variant.
Coding change: c.100-8T>A on transcript NM_005120.3 (MANE Select); 8 bases into the intron before coding-DNA position 100, T replaced by A.
Molecular consequence: intron variant.
Genome position (GRCh38, 1-based): chrX:71,119,365, T>A. VCF-style: chrX-71119365-T-A. GRCh37 (hg19) VCF-style: chrX-70339215-T-A.
Other names: NC_000023.10:g.70339215T>A.
Identifiers: ClinVar variation 92199 (VCV000092199.3), dbSNP rs199469675, ClinGen allele CA145528.